The following is an entry in ClinVar:

ClinVar aggregate classification (germline): Uncertain significance. Review status: criteria provided, multiple submitters, no conflicts (2 of 4 stars). 3 submissions from 3 submitters: Uncertain significance (3). Last evaluated 2025-04-17.

Conditions:
Renal cell carcinoma. Identifiers: Orphanet 217071, MedGen C0007134, MeSH D002292, MONDO:0005086, HP:0005584.
Hereditary cancer-predisposing syndrome. Also called: Tumor predisposition; Hereditary Cancer Syndrome; Hereditary neoplastic syndrome; Neoplastic Syndromes, Hereditary. Identifiers: Orphanet 140162, MedGen C0027672, MeSH D009386, MONDO:0015356.

Allele frequency attached by ClinVar (database versions not stated): gnomAD exomes below 0.00001.
gnomAD v4.1: 1 of 1,614,076 alleles (0.000062%); highest among the groups gnomAD compares: Non-Finnish European, 0.000085%; no homozygotes.

Submissions (3):

Labcorp Genetics (formerly Invitae), Labcorp
Classification: Uncertain significance for Renal cell carcinoma. Last evaluated: 2025-04-17. Review status: criteria provided, single submitter. Criteria: Invitae Variant Classification Sherloc (09022015). Collection method: clinical testing. Allele origin: germline.
Comment: This sequence change replaces leucine, which is neutral and non-polar, with proline, which is neutral and non-polar, at codon 833 of the MET protein (p.Leu833Pro). This variant is not present in population databases (gnomAD no frequency). This variant has not been reported in the literature in individuals affected with MET-related conditions. ClinVar contains an entry for this variant (Variation ID: 485762). Invitae Evidence Modeling of protein sequence and biophysical properties (such as structural, functional, and spatial information, amino acid conservation, physicochemical variation, residue mobility, and thermodynamic stability) indicates that this missense variant is not expected to disrupt MET protein function with a negative predictive value of 80%. In summary, the available evidence is currently insufficient to determine the role of this variant in disease. Therefore, it has been classified as a Variant of Uncertain Significance.

Ambry Genetics
Classification: Uncertain significance for Hereditary cancer-predisposing syndrome. Last evaluated: 2024-01-11. Review status: criteria provided, single submitter. Criteria: Ambry Variant Classification Scheme 2023. Collection method: clinical testing. Allele origin: germline.
Comment: The p.L833P variant (also known as c.2498T>C), located in coding exon 10 of the MET gene, results from a T to C substitution at nucleotide position 2498. The leucine at codon 833 is replaced by proline, an amino acid with similar properties. This amino acid position is not well conserved in available vertebrate species. In addition, the in silico prediction for this alteration is inconclusive. Since supporting evidence is limited at this time, the clinical significance of this alteration remains unclear.

GeneDx
Classification: Uncertain significance. Last evaluated: 2023-03-13. Review status: criteria provided, single submitter. Criteria: GeneDx Variant Classification Process June 2021. Collection method: clinical testing. Allele origin: germline. Affected: yes.
Comment: Not observed at significant frequency in large population cohorts (gnomAD); In silico analysis supports that this missense variant does not alter protein structure/function; Has not been previously published as pathogenic or benign to our knowledge

NM_000245.4(MET):c.2444T>C (p.Leu815Pro)

Gene: MET (MET proto-oncogene, receptor tyrosine kinase; plus strand). Cytogenetic location: 7q31.2.
Variant type: single nucleotide variant.
Coding change: c.2444T>C on transcript NM_000245.4 (MANE Select); coding-DNA position 2444, T replaced by C.
Protein change: p.Leu815Pro; replaces leucine 815 with proline.
Molecular consequence: missense variant.
Genome position (GRCh38, 1-based): chr7:116,763,129, T>C. VCF-style: chr7-116763129-T-C. GRCh37 (hg19) VCF-style: chr7-116403183-T-C.
Other names: c.2498T>C, p.Leu833Pro (NM_001127500.3); c.2444T>C, p.Leu815Pro (NM_001324401.3); c.1154T>C, p.Leu385Pro (NM_001324402.2); short protein forms L833P, L815P, L385P.
Identifiers: ClinVar variation 485762 (VCV000485762.15), dbSNP rs1554396571, ClinGen allele CA368983216.